The following is an entry in ClinVar:

ClinVar aggregate classification (germline): Likely pathogenic (1 of 4 stars; one submission).

Conditions:
Migraine, familial hemiplegic, 3. Identifiers: Orphanet 569, MedGen C1864987, MONDO:0012320, OMIM 609634.
Severe myoclonic epilepsy in infancy (DRVT). Also called: Severe Myoclonic Epilepsy in Infancy (SMEI); SEVERE MYOCLONIC EPILEPSY OF INFANCY; DEVELOPMENTAL AND EPILEPTIC ENCEPHALOPATHY 6A; Dravet syndrome; Epileptic encephalopathy, early infantile, 6 (Dravet syndrome). Identifiers: Orphanet 33069, MedGen C0751122, MONDO:0100135, OMIM 607208.
Generalized epilepsy with febrile seizures plus, type 2 (GEFSP2). Also called: GEFS+, TYPE 2. Identifiers: Orphanet 36387, MedGen C1858673, MONDO:0011461, OMIM 604403.
Developmental and epileptic encephalopathy 6B. Also called: Developmental and epileptic encephalopathy 6B, non-Dravet. Identifiers: MedGen C5543353, MONDO:0030268, OMIM 619317.

Submission:

Juno Genomics, Hangzhou Juno Genomics, Inc
Classification: Likely pathogenic for Developmental and epileptic encephalopathy 6B; Severe myoclonic epilepsy in infancy; Generalized epilepsy with febrile seizures plus, type 2; Migraine, familial hemiplegic, 3. Review status: criteria provided, single submitter. Criteria: ACMG Guidelines, 2015. Collection method: clinical testing. Allele origin: germline. Affected: yes.
Comment: Absent from controls (or at extremely low frequency if recessive) in Genome Aggregation Database, Exome Sequencing Project, 1000 Genomes Project, or Exome Aggregation Consortium.;Multiple lines of computational evidence support a deleterious effect on the gene or gene product (conservation, evolutionary, splicing impact, etc).;De novo (both maternity and paternity confirmed) in a patient with the disease and no family history.;Missense variant in a gene that has a low rate of benign missense variation and where missense variants are a common mechanism of disease.;Novel missense change at an amino acid residue where a different missense change determined to be pathogenic has been seen before.

NM_001165963.4(SCN1A):c.2360T>A (p.Met787Lys)

Gene: SCN1A (sodium voltage-gated channel alpha subunit 1; minus strand). Cytogenetic location: 2q24.3.
Variant type: single nucleotide variant.
Coding change: c.2360T>A on transcript NM_001165963.4 (MANE Select); coding-DNA position 2360, T replaced by A.
Protein change: p.Met787Lys; replaces methionine 787 with lysine.
Molecular consequence: missense variant. On other transcripts: 5 prime UTR variant (1), non-coding transcript variant (1).
Genome position (GRCh38, 1-based): chr2:166,041,286, A>T on the plus strand (T>A on the coding strand, the complement: SCN1A is on the minus strand). VCF-style: chr2-166041286-A-T. GRCh37 (hg19) VCF-style: chr2-166897796-A-T.
Other names: c.2276T>A, p.Met759Lys (NM_001165964.3, NM_001353957.2, NM_001353958.2); c.2360T>A, p.Met787Lys (NM_001202435.3, NM_001353948.2); c.2327T>A, p.Met776Lys (NM_001353949.2, NM_001353950.2, NM_001353951.2 and 2 more transcripts); c.2324T>A, p.Met775Lys (NM_001353954.2, NM_001353955.2); c.2273T>A, p.Met758Lys (NM_001353960.2); c.-99T>A (NM_001353961.2); short protein forms M758K, M759K, M775K, M776K, M787K.
Identifiers: ClinVar variation 3382607 (VCV003382607.2).
Genomic context (GRCh38, chr2:166,041,286, plus strand): 5'-CTTACCAAGTTTCCTACTGTAAGCACATTATTGAAATGGTCCGTCATTGGATAGTGCTCC[A>T]TGGCCATGAAAAGAGTATTTAAGACAATACAGATGGTGATGGCCAGGTCAACAAATGGGT-3'
Protein context (NP_001159435.1, residues 777-797): CIVLNTLFMA[Met787Lys]EHYPMTDHFN